The following is an entry in ClinVar:

ClinVar aggregate classification (germline): Benign/Likely benign. Review status: criteria provided, multiple submitters, no conflicts (2 of 4 stars). 13 submissions from 13 submitters: Benign (9); Likely benign (1). 3 of the submissions do not count toward it. Last evaluated 2026-02-03.

Conditions:
Arrhythmogenic right ventricular cardiomyopathy (ARVD). Also called: Cardiomyopathy, ARVC; Arrhythmogenic Right Ventricular Cardiomyopathy (ARVC); Arrhythmogenic right ventricular dysplasia; Arrhythmogenic cardiomyopathy. Identifiers: Orphanet 247, MedGen C0349788, MeSH D019571, MONDO:0016587. Disease mechanism: loss of function. Inheritance: Various modes of inheritance.
Cardiomyopathy (CMYO). Also called: Cardiomyopathies. Identifiers: Orphanet 167848, MedGen C0878544, MONDO:0004994, HP:0001638. Inheritance: Various modes of inheritance.
Arrhythmogenic right ventricular dysplasia 10. Also called: Arrhythmogenic Right Ventricular Dysplasia/Cardiomyopathy10; ARRHYTHMOGENIC RIGHT VENTRICULAR DYSPLASIA, FAMILIAL, 10; Arrhythmogenic right ventricular dysplasia/cardiomyopathy, type 10. Identifiers: MedGen C1857777, MONDO:0012434, OMIM 610193.

Allele frequency attached by ClinVar (database versions not stated): gnomAD exomes 0.00024 and 0.00058; ExAC 0.00078; ESP Exome Variant Server 0.00269; gnomAD 0.00270 and 0.00284; TOPMed 0.00317; 1000 Genomes Project 0.00319; 1000 Genomes Project 30x 0.00359.
gnomAD v4.1: 770 of 1,614,180 alleles (0.048%); highest among the groups gnomAD compares: African/African-American, 0.89%; 4 homozygotes.

Submissions (13):

Labcorp Genetics (formerly Invitae), Labcorp
Classification: Benign for Arrhythmogenic right ventricular dysplasia 10. Last evaluated: 2026-02-03. Review status: criteria provided, single submitter. Criteria: Invitae Variant Classification Sherloc (09022015). Collection method: clinical testing. Allele origin: germline.

Molecular Diagnostic Laboratory for Inherited Cardiovascular Disease, Montreal Heart Institute
Classification: Benign. Last evaluated: 2025-04-09. Review status: criteria provided, single submitter. Criteria: ACMG Guidelines, 2015. Collection method: clinical testing. Allele origin: germline. Affected: no.

Blueprint Genetics
Classification: Likely benign. Last evaluated: 2024-09-04. Review status: criteria provided, single submitter. Criteria: ACMG Guidelines, 2015. Collection method: clinical testing. Allele origin: germline.

Mayo Clinic Laboratories, Mayo Clinic
Classification: Benign. Last evaluated: 2024-07-31. Review status: criteria provided, single submitter. Criteria: ACMG Guidelines, 2015. Collection method: clinical testing. Allele origin: germline. Observed: 5 variant alleles.
Comment: BS1, BS2, BP4, BP7

All of Us Research Program, National Institutes of Health
Classification: Benign for Arrhythmogenic right ventricular cardiomyopathy. Last evaluated: 2024-02-05. Review status: criteria provided, single submitter. Criteria: ACMG Guidelines, 2015. Collection method: clinical testing. Allele origin: germline. Inheritance: Autosomal dominant inheritance. Observed: 165 variant alleles, 165 heterozygotes.
Comment: This study involves interpretation of variants in research participants for the purpose of population health screening. Participant phenotype was not available at the time of variant classification. Additional details can be found in publication PMID: 35346344, PMCID: PMC8962531

CHEO Genetics Diagnostic Laboratory, Children's Hospital of Eastern Ontario
Classification: Benign for Cardiomyopathy. Last evaluated: 2023-06-07. Review status: criteria provided, single submitter. Criteria: ACMG Guidelines, 2015. Collection method: clinical testing. Allele origin: germline.

Color Diagnostics, LLC DBA Color Health
Classification: Benign for Cardiomyopathy. Last evaluated: 2018-06-04. Review status: criteria provided, single submitter. Criteria: ACMG Guidelines, 2015. Collection method: clinical testing. Allele origin: germline.

GeneDx
Classification: Benign. Last evaluated: 2013-05-29. Review status: criteria provided, single submitter. Criteria: GeneDx Variant Classification (06012015). Collection method: clinical testing. Allele origin: germline. Affected: yes.
Comment: This variant is considered likely benign or benign based on one or more of the following criteria: it is a conservative change, it occurs at a poorly conserved position in the protein, it is predicted to be benign by multiple in silico algorithms, and/or has population frequency not consistent with disease.

Laboratory for Molecular Medicine, Mass General Brigham Personalized Medicine
Classification: Benign. Last evaluated: 2012-02-09. Review status: criteria provided, single submitter. Criteria: LMM Criteria. Collection method: clinical testing. Allele origin: germline. Observed: 3 variant alleles.
Comment: C=25/T=2989 (AA chrom; NHLBI/ESP)

Breakthrough Genomics
Classification: Benign. Review status: criteria provided, single submitter. Criteria: ACMG Guidelines, 2015. Collection method: not provided. Allele origin: germline. Inheritance: Autosomal recessive inheritance. Affected: yes.

Clinical Genetics DNA and cytogenetics Diagnostics Lab, Erasmus MC, Erasmus Medical Center
Classification: Likely benign. Review status: no assertion criteria provided. Collection method: clinical testing. Allele origin: germline. Affected: yes. Study: VKGL Data-share Consensus. Not counted in ClinVar's aggregate classification.

Clinical Genetics, Academic Medical Center
Classification: Benign. Review status: no assertion criteria provided. Collection method: clinical testing. Allele origin: germline. Affected: yes. Study: VKGL Data-share Consensus. Not counted in ClinVar's aggregate classification.

Genome Diagnostics Laboratory, University Medical Center Utrecht
Classification: Likely benign. Review status: no assertion criteria provided. Collection method: clinical testing. Allele origin: germline. Affected: yes. Study: VKGL Data-share Consensus. Not counted in ClinVar's aggregate classification.

NM_001943.5(DSG2):c.2586T>C (p.Ser862=)

Genes: DSG2-AS1 (DSG2 antisense RNA 1; minus strand), DSG2 (desmoglein 2; plus strand). Cytogenetic location: 18q12.1.
Variant type: single nucleotide variant.
Coding change: c.2586T>C on transcript NM_001943.5 (MANE Select); coding-DNA position 2586, T replaced by C.
Protein change: p.Ser862=; no amino-acid change (serine 862 retained).
Molecular consequence: synonymous variant.
Genome position (GRCh38, 1-based): chr18:31,545,972, T>C. VCF-style: chr18-31545972-T-C. GRCh37 (hg19) VCF-style: chr18-29125935-T-C.
Other names: p.S862S:AGT>AGC; p.Ser862=.
Identifiers: ClinVar variation 44303 (VCV000044303.26), dbSNP rs78310842, ClinGen allele CA021824.